The following is an entry in ClinVar:

NM_032119.4(ADGRV1):c.18880G>C (p.Val6294Leu)

Gene: ADGRV1 (adhesion G protein-coupled receptor V1; plus strand). Cytogenetic location: 5q14.3.
Variant type: single nucleotide variant.
Coding change: c.18880G>C on transcript NM_032119.4 (MANE Select); coding-DNA position 18880, G replaced by C.
Protein change: p.Val6294Leu; replaces valine 6294 with leucine.
Molecular consequence: missense variant. On other transcripts: non-coding transcript variant (1).
Genome position (GRCh38, 1-based): chr5:91,163,859, G>C. VCF-style: chr5-91163859-G-C. GRCh37 (hg19) VCF-style: chr5-90459676-G-C.
Other names: c.18880G>C (NM_032119.3); short protein forms V6294L.
Identifiers: ClinVar variation 1402730 (VCV001402730.7), dbSNP rs779615989, ClinGen allele CA3342768.

ClinVar aggregate classification (germline): Uncertain significance. Review status: criteria provided, multiple submitters, no conflicts (2 of 4 stars). 3 submissions from 3 submitters: Uncertain significance (3). Last evaluated 2025-04-09.

Conditions:
Inborn genetic diseases. Identifiers: MedGen C0950123, MeSH D030342.

Allele frequency attached by ClinVar (database versions not stated): TOPMed below 0.00001.
gnomAD v4.1: 4 of 1,604,924 alleles (0.00025%); highest among the groups gnomAD compares: Admixed American, 0.0067%; no homozygotes.

Submissions (3):

Ambry Genetics
Classification: Uncertain significance for Inborn genetic diseases. Last evaluated: 2025-04-09. Review status: criteria provided, single submitter. Criteria: Ambry Variant Classification Scheme 2023. Collection method: clinical testing. Allele origin: germline.

GeneDx
Classification: Uncertain significance. Last evaluated: 2024-11-22. Review status: criteria provided, single submitter. Criteria: GeneDx Variant Classification Process June 2021. Collection method: clinical testing. Allele origin: germline. Affected: yes.
Comment: In silico analysis indicates that this missense variant does not alter protein structure/function; Has not been previously published as pathogenic or benign to our knowledge

Labcorp Genetics (formerly Invitae), Labcorp
Classification: Uncertain significance. Last evaluated: 2022-03-29. Review status: criteria provided, single submitter. Criteria: Invitae Variant Classification Sherloc (09022015). Collection method: clinical testing. Allele origin: germline.
Comment: This sequence change replaces valine, which is neutral and non-polar, with leucine, which is neutral and non-polar, at codon 6294 of the ADGRV1 protein (p.Val6294Leu). This variant is present in population databases (rs779615989, gnomAD 0.01%). This variant has not been reported in the literature in individuals affected with ADGRV1-related conditions. Algorithms developed to predict the effect of missense changes on protein structure and function are either unavailable or do not agree on the potential impact of this missense change (SIFT: "Deleterious"; PolyPhen-2: "Possibly Damaging"; Align-GVGD: "Class C0"). In summary, the available evidence is currently insufficient to determine the role of this variant in disease. Therefore, it has been classified as a Variant of Uncertain Significance.